The following is an entry in ClinVar:

NM_001258392.3(CLPB):c.1547G>A (p.Arg516His)

Gene: CLPB (ClpB family mitochondrial disaggregase; minus strand). Cytogenetic location: 11q13.4.
Variant type: single nucleotide variant.
Coding change: c.1547G>A on transcript NM_001258392.3 (MANE Select); coding-DNA position 1547, G replaced by A.
Protein change: p.Arg516His; replaces arginine 516 with histidine.
Molecular consequence: missense variant.
Genome position (GRCh38, 1-based): chr11:72,294,633, C>T on the plus strand (G>A on the coding strand, the complement: CLPB is on the minus strand). VCF-style: chr11-72294633-C-T. GRCh37 (hg19) VCF-style: chr11-72005677-C-T.
Other names: c.1460G>A, p.Arg487His (NM_001258393.3); c.1502G>A, p.Arg501His (NM_001258394.3); c.1637G>A, p.Arg546His (NM_030813.6); short protein forms R487H, R501H, R516H, R546H.
Identifiers: ClinVar variation 3375051 (VCV003375051.3).

ClinVar aggregate classification (germline): Uncertain significance. Review status: criteria provided, multiple submitters, no conflicts (2 of 4 stars). 2 submissions from 2 submitters: Uncertain significance (2). Last evaluated 2025-08-26.

Conditions:
3-methylglutaconic aciduria, type VIIB (MGCA7B). Also called: 3-methylglutaconic aciduria, type VII, with cataracts, neurologic involvement and neutropenia; CLPB Deficiency; 3-methylglutaconic aciduria with cataracts, neurologic involvement and neutropenia. Identifiers: Orphanet 445038, MedGen C5676893, MONDO:0014561, OMIM 616271.

gnomAD v4.1: 21 of 1,613,884 alleles (0.0013%); highest among the groups gnomAD compares: African/African-American, 0.0053%; no homozygotes.

Submissions (2):

Women's Health and Genetics/Laboratory Corporation of America, LabCorp
Classification: Uncertain significance. Last evaluated: 2025-08-26. Review status: criteria provided, single submitter. Criteria: LabCorp Variant Classification Summary - May 2015. Collection method: clinical testing. Allele origin: germline.
Comment: Variant summary: CLPB c.1637G>A (p.Arg546His) results in a non-conservative amino acid change located in the ATPase, AAA-type, core domain (IPR003959) of the encoded protein sequence. Algorithms developed to predict the effect of missense changes on protein structure and function are either unavailable or do not agree on the potential impact of this missense change. The variant allele was found at a frequency of 1.2e-05 in 251436 control chromosomes (gnomAD). The available data on variant occurrences in the general population are insufficient to allow any conclusion about variant significance. c.1637G>A has been observed in individuals affected with neurodevelopmental disorders (Cunningham_2024). The report does not provide unequivocal conclusions about association of the variant with 3-Methylglutaconic Aciduria, Type VIIB. To our knowledge, no experimental evidence demonstrating an impact on protein function has been reported. The following publication have been ascertained in the context of this evaluation (PMID: 39396515). ClinVar contains an entry for this variant (Variation ID: 3375051). Based on the evidence outlined above, the variant was classified as uncertain significance.

Labcorp Genetics (formerly Invitae), Labcorp
Classification: Uncertain significance for 3-methylglutaconic aciduria, type VIIB. Last evaluated: 2025-07-10. Review status: criteria provided, single submitter. Criteria: Invitae Variant Classification Sherloc (09022015). Collection method: clinical testing. Allele origin: germline.
Comment: This sequence change replaces arginine, which is basic and polar, with histidine, which is basic and polar, at codon 546 of the CLPB protein (p.Arg546His). This variant is present in population databases (rs778955282, gnomAD 0.008%). This variant has not been reported in the literature in individuals affected with CLPB-related conditions. ClinVar contains an entry for this variant (Variation ID: 3375051). An algorithm developed to predict the effect of missense changes on protein structure and function (PolyPhen-2) suggests that this variant is likely to be disruptive. In summary, the available evidence is currently insufficient to determine the role of this variant in disease. Therefore, it has been classified as a Variant of Uncertain Significance.

Literature cited by the submitters: PubMed 39396515 (cited by Women's Health and Genetics/Laboratory Corporation of America, LabCorp).